The following is an entry in ClinVar:

NM_194454.3(KRIT1):c.1793dup (p.Asn599fs)

Gene: KRIT1 (KRIT1 ankyrin repeat containing; minus strand). Cytogenetic location: 7q21.2.
Variant type: Duplication.
Coding change: c.1793dup on transcript NM_194454.3 (MANE Select); coding-DNA position 1793, one base duplicated (C; older notation c.1793dupC).
Protein change: p.Asn599fs; shifts the reading frame from asparagine 599.
Molecular consequence: frameshift variant.
Genome position (GRCh38, 1-based): chr7:92,213,917, G duplicated on the plus strand (C on the coding strand, the reverse complement: KRIT1 is on the minus strand). VCF-style (leftmost placement, unchanged base first): chr7-92213916-T-TG. GRCh37 (hg19) VCF-style: chr7-91843230-T-TG.
Other names: c.1649dup, p.Asn551fs (NM_001013406.2, NM_001350669.1, NM_001350670.1); c.1079dup, p.Asn361fs (NM_001350671.1); c.1793dup, p.Asn599fs (NM_001350672.1, NM_001350673.1, NM_001350674.1 and 26 more transcripts); short protein forms N551fs, N599fs, N361fs.
Identifiers: ClinVar variation 2126483 (VCV002126483.4), dbSNP rs2535715463, ClinGen allele CA2580077456.

ClinVar aggregate classification (germline): Pathogenic (1 of 4 stars; one submission).

Conditions:
Cerebral cavernous malformation (CCM). Also called: CAVERNOUS ANGIOMA, FAMILIAL; CAVERNOUS ANGIOMATOUS MALFORMATIONS; CEREBRAL CAPILLARY MALFORMATIONS; Cavernous Hemangioma of Brain; Cerebral cavernous hemangioma (type); Cerebral cavernous malformations. Identifiers: Orphanet 221061, MedGen C2919945, MONDO:0000820, OMIM 116860, HP:0033522.

Submission:

Labcorp Genetics (formerly Invitae), Labcorp
Classification: Pathogenic for Cerebral cavernous malformation. Last evaluated: 2022-04-15. Review status: criteria provided, single submitter. Criteria: Invitae Variant Classification Sherloc (09022015). Collection method: clinical testing. Allele origin: germline.
Comment: This sequence change creates a premature translational stop signal (p.Asn599Lysfs*6) in the KRIT1 gene. It is expected to result in an absent or disrupted protein product. Loss-of-function variants in KRIT1 are known to be pathogenic (PMID: 10508515, 11222804, 12404106, 24689081). This variant is not present in population databases (gnomAD no frequency). This variant has not been reported in the literature in individuals affected with KRIT1-related conditions. For these reasons, this variant has been classified as Pathogenic.

Literature cited by the submitters: PubMed 10508515; PubMed 11222804; PubMed 12404106; PubMed 24689081.